The following is an entry in ClinVar:

ClinVar aggregate classification (germline): Uncertain significance (1 of 4 stars; one submission).

Conditions:
Wilson-Turner syndrome (WTS). Also called: INTELLECTUAL DEVELOPMENTAL DISORDER, X-LINKED, SYNDROMIC, WILSON-TURNER TYPE; MENTAL RETARDATION, X-LINKED, SYNDROMIC 6. Identifiers: Orphanet 3459, MedGen C1839736, MONDO:0010665, OMIM 309585.

gnomAD v4.1: 2 of 1,209,604 alleles (0.00017%); highest among the groups gnomAD compares: Admixed American, 0.0044%; no homozygotes.

Submission:

Labcorp Genetics (formerly Invitae), Labcorp
Classification: Uncertain significance for Wilson-Turner syndrome. Last evaluated: 2025-01-08. Review status: criteria provided, single submitter. Criteria: Invitae Variant Classification Sherloc (09022015). Collection method: clinical testing. Allele origin: germline.
Comment: This sequence change replaces alanine, which is neutral and non-polar, with valine, which is neutral and non-polar, at codon 242 of the LAS1L protein (p.Ala242Val). This variant is not present in population databases (gnomAD no frequency). This variant has not been reported in the literature in individuals affected with LAS1L-related conditions. Invitae Evidence Modeling of protein sequence and biophysical properties (such as structural, functional, and spatial information, amino acid conservation, physicochemical variation, residue mobility, and thermodynamic stability) indicates that this missense variant is not expected to disrupt LAS1L protein function with a negative predictive value of 80%. In summary, the available evidence is currently insufficient to determine the role of this variant in disease. Therefore, it has been classified as a Variant of Uncertain Significance.

NM_031206.7(LAS1L):c.725C>T (p.Ala242Val)

Gene: LAS1L (LAS1 like ribosome biogenesis factor; minus strand). Cytogenetic location: Xq12.
Variant type: single nucleotide variant.
Coding change: c.725C>T on transcript NM_031206.7 (MANE Select); coding-DNA position 725, C replaced by T.
Protein change: p.Ala242Val; replaces alanine 242 with valine.
Molecular consequence: missense variant. On other transcripts: 5 prime UTR variant (1), non-coding transcript variant (1).
Genome position (GRCh38, 1-based): chrX:65,529,668, G>A on the plus strand (C>T on the coding strand, the complement: LAS1L is on the minus strand). VCF-style: chrX-65529668-G-A. GRCh37 (hg19) VCF-style: chrX-64749548-G-A.
Other names: c.725C>T, p.Ala242Val (NM_001375328.1, NM_001375329.1, NM_001375330.1 and 8 more transcripts); c.-72C>T (NM_001375332.1); c.599C>T, p.Ala200Val (NM_001170650.2); short protein forms A242V, A200V.
Identifiers: ClinVar variation 3707354 (VCV003707354.2).